The following is an entry in ClinVar:

NM_000069.3(CACNA1S):c.1847G>A (p.Trp616Ter)

Gene: CACNA1S (calcium voltage-gated channel subunit alpha1 S; minus strand). Cytogenetic location: 1q32.1.
Variant type: single nucleotide variant.
Coding change: c.1847G>A on transcript NM_000069.3 (MANE Select); coding-DNA position 1847, G replaced by A.
Protein change: p.Trp616Ter; replaces tryptophan 616 with a stop codon.
Molecular consequence: nonsense.
Genome position (GRCh38, 1-based): chr1:201,075,596, C>T on the plus strand (G>A on the coding strand, the complement: CACNA1S is on the minus strand). VCF-style: chr1-201075596-C-T. GRCh37 (hg19) VCF-style: chr1-201044724-C-T.
Other names: short protein forms W616*.
Identifiers: ClinVar variation 665684 (VCV000665684.11), dbSNP rs1572048220, ClinGen allele CA344117381.

ClinVar aggregate classification (germline): Pathogenic/Likely pathogenic. Review status: criteria provided, multiple submitters, no conflicts (2 of 4 stars). 4 submissions from 3 submitters: Pathogenic (1); Likely pathogenic (3). Last evaluated 2025-06-04.

Conditions:
Hypokalemic periodic paralysis, type 1. Also called: Hypokalemic Periodic Paralysis Type 1 (AD); HypoPP. Identifiers: Orphanet 681, MedGen C3714580, MONDO:0042979, OMIM 170400.
Malignant hyperthermia, susceptibility to, 5 (MHS5). Also called: CACNA1S-Related Malignant Hyperthermia Susceptibility. Identifiers: Orphanet 423, MedGen C1866077, MONDO:0011163, OMIM 601887.
Thyrotoxic periodic paralysis, susceptibility to, 1 (TTPP1). Identifiers: Orphanet 79102, MedGen C2749982, MONDO:0008570, OMIM 188580.

Allele frequency attached by ClinVar (database versions not stated): gnomAD exomes below 0.00001.

Submissions (4):

Labcorp Genetics (formerly Invitae), Labcorp
Classification: Pathogenic for Hypokalemic periodic paralysis, type 1; Malignant hyperthermia, susceptibility to, 5. Last evaluated: 2025-06-04. Review status: criteria provided, single submitter. Criteria: Invitae Variant Classification Sherloc (09022015). Collection method: clinical testing. Allele origin: germline.
Comment: This sequence change creates a premature translational stop signal (p.Trp616*) in the CACNA1S gene. It is expected to result in an absent or disrupted protein product. Loss-of-function variants in CACNA1S are known to be pathogenic (PMID: 26247046, 28012042). This variant is not present in population databases (gnomAD no frequency). This variant has not been reported in the literature in individuals affected with CACNA1S-related conditions. ClinVar contains an entry for this variant (Variation ID: 665684). For these reasons, this variant has been classified as Pathogenic.

Genome-Nilou Lab
Classification: Likely pathogenic for Malignant hyperthermia, susceptibility to, 5. Last evaluated: 2023-04-11. Review status: criteria provided, single submitter. Criteria: ACMG Guidelines, 2015. Collection method: clinical testing. Allele origin: germline. Affected: no.

Genome-Nilou Lab
Classification: Likely pathogenic for Hypokalemic periodic paralysis, type 1. Last evaluated: 2023-04-11. Review status: criteria provided, single submitter. Criteria: ACMG Guidelines, 2015. Collection method: clinical testing. Allele origin: germline. Affected: no.

Fulgent Genetics
Classification: Likely pathogenic for Hypokalemic periodic paralysis, type 1; Thyrotoxic periodic paralysis, susceptibility to, 1; Malignant hyperthermia, susceptibility to, 5. Last evaluated: 2022-02-23. Review status: criteria provided, single submitter. Criteria: ACMG Guidelines, 2015. Collection method: clinical testing. Allele origin: unknown.

Literature cited by the submitters: PubMed 26247046 (cited by Labcorp Genetics (formerly Invitae), Labcorp); PubMed 28012042 (cited by Labcorp Genetics (formerly Invitae), Labcorp).